The following is an entry in ClinVar:

ClinVar aggregate classification (germline): Pathogenic. Review status: reviewed by expert panel (3 of 4 stars). 6 submissions from 6 submitters: Pathogenic (1). 5 of the submissions do not count toward it. Last evaluated 2016-10-18.

Conditions:
Hereditary cancer-predisposing syndrome. Also called: Hereditary Cancer Syndrome; Neoplastic Syndromes, Hereditary; Hereditary neoplastic syndrome; Tumor predisposition. Identifiers: Orphanet 140162, MedGen C0027672, MeSH D009386, MONDO:0015356.
Hereditary breast ovarian cancer syndrome. Also called: Hereditary breast and ovarian cancer syndrome (HBOC); Breast and ovarian cancer; Hereditary breast and ovarian cancer syndrome; Hereditary breast and ovarian cancer; BRCA1- and BRCA2-Associated Hereditary Breast and Ovarian Cancer; Hereditary breast and/or ovarian cancer syndrome. Identifiers: Orphanet 145, MedGen C0677776, MeSH D061325, MONDO:0003582. Disease mechanism: loss of function.
Breast-ovarian cancer, familial, susceptibility to, 1 (BROVCA1). Also called: BRCA1 Hereditary Breast and Ovarian Cancer; OVARIAN CANCER, SUSCEPTIBILITY TO. Identifiers: Orphanet 145, MedGen C2676676, MONDO:0011450, OMIM 604370. Disease mechanism: loss of function.

Submissions (6):

Evidence-based Network for the Interpretation of Germline Mutant Alleles (ENIGMA)
Classification: Pathogenic for Breast-ovarian cancer, familial, susceptibility to, 1. Last evaluated: 2016-10-18. Review status: reviewed by expert panel. Criteria: ENIGMA BRCA1/2 Classification Criteria (2015). Collection method: curation. Allele origin: germline.
Comment: Variant allele predicted to encode a truncated non-functional protein.

Myriad Genetics, Inc.
Classification: Pathogenic for Breast-ovarian cancer, familial, susceptibility to, 1. Last evaluated: 2025-03-25. Review status: criteria provided, single submitter. Criteria: Myriad Autosomal Dominant, Autosomal Recessive and X-Linked Classification Criteria (2023). Collection method: clinical testing. Allele origin: unknown. Not counted in ClinVar's aggregate classification.
Comment: This variant is considered pathogenic. This variant creates a termination codon and is predicted to result in premature protein truncation.

Ambry Genetics
Classification: Pathogenic for Hereditary cancer-predisposing syndrome. Last evaluated: 2024-09-10. Review status: criteria provided, single submitter. Criteria: Ambry Variant Classification Scheme 2023. Collection method: clinical testing. Allele origin: germline. Not counted in ClinVar's aggregate classification.
Comment: The p.K987* pathogenic mutation (also known as c.2959A>T), located in coding exon 9 of the BRCA1 gene, results from an A to T substitution at nucleotide position 2959. This changes the amino acid from a lysine to a stop codon within coding exon 9. This variant is considered to be rare based on population cohorts in the Genome Aggregation Database (gnomAD). This alteration is expected to result in loss of function by premature protein truncation or nonsense-mediated mRNA decay. As such, this alteration is interpreted as a disease-causing mutation.

GeneDx
Classification: Pathogenic. Last evaluated: 2021-05-26. Review status: criteria provided, single submitter. Criteria: GeneDx Variant Classification Process June 2021. Collection method: clinical testing. Allele origin: germline. Affected: yes. Not counted in ClinVar's aggregate classification.
Comment: Nonsense variant predicted to result in protein truncation or nonsense mediated decay in a gene for which loss-of-function is a known mechanism of disease; Observed in an individual with breast cancer (Yildiz Tacar 2020); Not observed in large population cohorts (Lek 2016); Truncating variants in this gene are considered pathogenic by a well-established clinical consortium and/or database; Also known as 3078A>T; This variant is associated with the following publications: (PMID: 29446198, 32846166)

Women's Health and Genetics/Laboratory Corporation of America, LabCorp
Classification: Likely pathogenic for Hereditary breast and ovarian cancer syndrome. Last evaluated: 2017-11-13. Review status: criteria provided, single submitter. Criteria: LabCorp Variant Classification Summary - May 2015. Collection method: clinical testing. Allele origin: germline. Not counted in ClinVar's aggregate classification.
Comment: Variant summary: The BRCA1 c.2959A>T (p.Lys987X) variant results in a premature termination codon, predicted to cause a truncated or absent BRCA1 protein due to nonsense mediated decay, which are commonly known mechanisms for disease. Truncations downstream of this position have been classified as pathogenic by our laboratory (e.g. p.Leu1086X, p.Gln1111X, p.Glu1134X, etc.). This variant is absent in 245952 control chromosomes (gnomAD). In addition, multiple clinical diagnostic laboratories/reputable databases classified this variant as pathogenic. The variant of interest has not, to our knowledge, been reported in affected individuals via publications. Taken together, this variant is classified as likely pathogenic.

Consortium of Investigators of Modifiers of BRCA1/2 (CIMBA), c/o University of Cambridge
Classification: Pathogenic for Breast-ovarian cancer, familial, susceptibility to, 1. Last evaluated: 2015-10-02. Review status: criteria provided, single submitter. Criteria: CIMBA Mutation Classification guidelines May 2016. Collection method: clinical testing. Allele origin: germline. Not counted in ClinVar's aggregate classification.

NM_007294.4(BRCA1):c.2959A>T (p.Lys987Ter)

Gene: BRCA1 (BRCA1 DNA repair associated; minus strand). Cytogenetic location: 17q21.31.
Variant type: single nucleotide variant.
Coding change: c.2959A>T on transcript NM_007294.4 (MANE Select); coding-DNA position 2959, A replaced by T.
Protein change: p.Lys987Ter; replaces lysine 987 with a stop codon.
Molecular consequence: nonsense. On other transcripts: intron variant (137).
Genome position (GRCh38, 1-based): chr17:43,092,572, T>A on the plus strand (A>T on the coding strand, the complement: BRCA1 is on the minus strand). VCF-style: chr17-43092572-T-A. GRCh37 (hg19) VCF-style: chr17-41244589-T-A.
Other names: 3078A>T; c.2746A>T, p.Lys916Ter (NM_001407571.1, NM_001407898.1, NM_001407899.1 and 9 more transcripts); c.2959A>T, p.Lys987Ter (NM_001407581.1, NM_001407582.1, NM_001407583.1 and 30 more transcripts); c.2956A>T, p.Lys986Ter (NM_001407587.1, NM_001407590.1, NM_001407591.1 and 22 more transcripts); c.2950A>T, p.Lys984Ter (NM_001407647.1, NM_001407646.1); c.2836A>T, p.Lys946Ter (NM_001407648.1, NM_001407668.1, NM_001407669.1 and 19 more transcripts); c.2833A>T, p.Lys945Ter (NM_001407649.1, NM_001407670.1, NM_001407671.1 and 11 more transcripts); c.2881A>T, p.Lys961Ter (NM_001407653.1, NM_001407654.1, NM_001407655.1 and 4 more transcripts); and 42 more; short protein forms K987*, K940*, K691*, K919*, K920*, K939*, K945*, K946*.
Identifiers: ClinVar variation 266322 (VCV000266322.11), dbSNP rs878854941, ClinGen allele CA10589794.